The following is an entry in ClinVar:

NM_021930.6(RINT1):c.466G>A (p.Glu156Lys)

Gene: RINT1 (RAD50 interactor 1; plus strand). Cytogenetic location: 7q22.3.
Variant type: single nucleotide variant.
Coding change: c.466G>A on transcript NM_021930.6 (MANE Select); coding-DNA position 466, G replaced by A.
Protein change: p.Glu156Lys; replaces glutamic acid 156 with lysine.
Molecular consequence: missense variant. On other transcripts: 5 prime UTR variant (3), non-coding transcript variant (1).
Genome position (GRCh38, 1-based): chr7:105,542,600, G>A. VCF-style: chr7-105542600-G-A. GRCh37 (hg19) VCF-style: chr7-105183047-G-A.
Other names: c.232G>A, p.Glu78Lys (NM_001346599.2); c.-554G>A (NM_001346600.2); c.-457G>A (NM_001346601.2); c.-77G>A (NM_001346603.2); short protein forms E156K, E78K.
Identifiers: ClinVar variation 1059101 (VCV001059101.10), dbSNP rs772540725, ClinGen allele CA4426432.

ClinVar aggregate classification (germline): Uncertain significance. Review status: criteria provided, multiple submitters, no conflicts (2 of 4 stars). 2 submissions from 2 submitters: Uncertain significance (2). Last evaluated 2025-02-26.

Allele frequency attached by ClinVar (database versions not stated): gnomAD 0.00001; TOPMed 0.00001; ExAC 0.00005.

Submissions (2):

Ambry Genetics
Classification: Uncertain significance. Last evaluated: 2025-02-26. Review status: criteria provided, single submitter. Criteria: Ambry Variant Classification Scheme 2023. Collection method: clinical testing. Allele origin: germline.
Comment: The p.E156K variant (also known as c.466G>A), located in coding exon 4 of the RINT1 gene, results from a G to A substitution at nucleotide position 466. The glutamic acid at codon 156 is replaced by lysine, an amino acid with similar properties. This amino acid position is highly conserved in available vertebrate species. In addition, the in silico prediction for this alteration is inconclusive. Since supporting evidence is limited at this time, the clinical significance of this alteration remains unclear.

Labcorp Genetics (formerly Invitae), Labcorp
Classification: Uncertain significance. Last evaluated: 2024-07-11. Review status: criteria provided, single submitter. Criteria: Invitae Variant Classification Sherloc (09022015). Collection method: clinical testing. Allele origin: germline.
Comment: This sequence change replaces glutamic acid, which is acidic and polar, with lysine, which is basic and polar, at codon 156 of the RINT1 protein (p.Glu156Lys). This variant is present in population databases (rs772540725, gnomAD 0.01%). This variant has not been reported in the literature in individuals affected with RINT1-related conditions. ClinVar contains an entry for this variant (Variation ID: 1059101). An algorithm developed to predict the effect of missense changes on protein structure and function (PolyPhen-2) suggests that this variant is likely to be disruptive. In summary, the available evidence is currently insufficient to determine the role of this variant in disease. Therefore, it has been classified as a Variant of Uncertain Significance.